The following is an entry in ClinVar:

ClinVar aggregate classification (germline): Likely benign (1 of 4 stars; one submission).

Submission:

CeGaT Center for Human Genetics Tuebingen
Classification: Likely benign. Last evaluated: 2023-11-01. Review status: criteria provided, single submitter. Criteria: CeGaT Center For Human Genetics Tuebingen Variant Classification Criteria Version 2. Collection method: clinical testing. Allele origin: germline. Affected: yes. Observed: 1 variant allele.
Comment: ASTN1: PM2:Supporting, BP4, BP7

NM_004319.3(ASTN1):c.66G>C (p.Thr22=)

Gene: ASTN1 (astrotactin 1; minus strand). Cytogenetic location: 1q25.2.
Variant type: single nucleotide variant.
Coding change: c.66G>C on transcript NM_004319.3 (MANE Select); coding-DNA position 66, G replaced by C.
Protein change: p.Thr22=; no amino-acid change (threonine 22 retained).
Molecular consequence: synonymous variant.
Genome position (GRCh38, 1-based): chr1:177,164,611, C>G on the plus strand (G>C on the coding strand, the complement: ASTN1 is on the minus strand). VCF-style: chr1-177164611-C-G. GRCh37 (hg19) VCF-style: chr1-177133747-C-G.
Other names: c.66G>C, p.Thr22= (NM_001286164.2, NM_001364856.2, NM_207108.3).
Identifiers: ClinVar variation 2639588 (VCV002639588.24), dbSNP rs755134545, ClinGen allele CA422280996.